The following is an entry in ClinVar:

NM_001035.3(RYR2):c.14121G>A (p.Met4707Ile)

Gene: RYR2 (ryanodine receptor 2; plus strand). Cytogenetic location: 1q43.
Variant type: single nucleotide variant.
Coding change: c.14121G>A on transcript NM_001035.3 (MANE Select); coding-DNA position 14121, G replaced by A.
Protein change: p.Met4707Ile; replaces methionine 4707 with isoleucine.
Molecular consequence: missense variant.
Genome position (GRCh38, 1-based): chr1:237,801,886, G>A. VCF-style: chr1-237801886-G-A. GRCh37 (hg19) VCF-style: chr1-237965186-G-A.
Other names: short protein forms M4707I.
Identifiers: ClinVar variation 944332 (VCV000944332.13), dbSNP rs1660018312, ClinGen allele CA345421148.

ClinVar aggregate classification (germline): Uncertain significance. Review status: criteria provided, multiple submitters, no conflicts (2 of 4 stars). 2 submissions from 2 submitters: Uncertain significance (2). Last evaluated 2023-11-07.

Conditions:
Cardiovascular phenotype. Identifiers: MedGen CN230736.
Catecholaminergic polymorphic ventricular tachycardia 1. Also called: VENTRICULAR TACHYCARDIA, CATECHOLAMINERGIC POLYMORPHIC, 1, WITH OR WITHOUT ATRIAL DYSFUNCTION AND/OR DILATED CARDIOMYOPATHY; VENTRICULAR TACHYCARDIA, STRESS-INDUCED POLYMORPHIC 1; RYR2-Related Catecholaminergic Polymorphic Ventricular Tachycardia. Identifiers: Orphanet 3286, MedGen C1631597, MONDO:0011484, OMIM 604772.

gnomAD v4.1: 1 of 1,600,494 alleles (0.000062%); highest among the groups gnomAD compares: African/African-American, 0.0013%; no homozygotes.

Submissions (2):

Labcorp Genetics (formerly Invitae), Labcorp
Classification: Uncertain significance for Catecholaminergic polymorphic ventricular tachycardia 1. Last evaluated: 2023-11-07. Review status: criteria provided, single submitter. Criteria: Invitae Variant Classification Sherloc (09022015). Collection method: clinical testing. Allele origin: germline.
Comment: This sequence change replaces methionine, which is neutral and non-polar, with isoleucine, which is neutral and non-polar, at codon 4707 of the RYR2 protein (p.Met4707Ile). This variant is not present in population databases (gnomAD no frequency). This variant has not been reported in the literature in individuals affected with RYR2-related conditions. ClinVar contains an entry for this variant (Variation ID: 944332). Advanced modeling of protein sequence and biophysical properties (such as structural, functional, and spatial information, amino acid conservation, physicochemical variation, residue mobility, and thermodynamic stability) performed at Invitae indicates that this missense variant is not expected to disrupt RYR2 protein function with a negative predictive value of 95%. In summary, the available evidence is currently insufficient to determine the role of this variant in disease. Therefore, it has been classified as a Variant of Uncertain Significance.

Ambry Genetics
Classification: Uncertain significance for Cardiovascular phenotype. Last evaluated: 2021-03-16. Review status: criteria provided, single submitter. Criteria: Ambry Variant Classification Scheme 2023. Collection method: clinical testing. Allele origin: germline.
Comment: The p.M4707I variant (also known as c.14121G>A), located in coding exon 98 of the RYR2 gene, results from a G to A substitution at nucleotide position 14121. The methionine at codon 4707 is replaced by isoleucine, an amino acid with highly similar properties. This amino acid position is not well conserved in available vertebrate species, and isoleucine is the reference amino acid in other vertebrate species. In addition, the in silico prediction for this alteration is inconclusive. Since supporting evidence is limited at this time, the clinical significance of this alteration remains unclear.